The following is an entry in ClinVar:

ClinVar aggregate classification (germline): Conflicting classifications of pathogenicity. Review status: criteria provided, conflicting classifications (1 of 4 stars). 3 submissions from 3 submitters: Uncertain significance (2); Likely benign (1). Last evaluated 2024-11-09.

Conditions:
PKHD1-related disorder. Also called: PKHD1-related condition.
Autosomal recessive polycystic kidney disease (ARPKD). Also called: AR polycystic kidney disease. Identifiers: Orphanet 731, Orphanet 8378, MedGen C0085548, MeSH D017044, MONDO:0009889.

Allele frequency attached by ClinVar (database versions not stated): gnomAD 0.00002; TOPMed 0.00002; gnomAD exomes 0.00004; ExAC 0.00008.
gnomAD v4.1: 65 of 1,601,136 alleles (0.0041%); highest among the groups gnomAD compares: Non-Finnish European, 0.0054%; no homozygotes.

Submissions (3):

PreventionGenetics, part of Exact Sciences
Classification: Uncertain significance for PKHD1-related condition. Last evaluated: 2024-11-09. Review status: criteria provided, single submitter. Criteria: ACMG Guidelines, 2015. Collection method: clinical testing. Allele origin: germline.
Comment: The PKHD1 c.8503G>A variant is predicted to result in the amino acid substitution p.Gly2835Arg. To our knowledge, this variant has not been reported in the literature. This variant is reported in 0.0088% of alleles in individuals of European (Non-Finnish) descent in gnomAD. At this time, the clinical significance of this variant is uncertain due to the absence of conclusive functional and genetic evidence.

Labcorp Genetics (formerly Invitae), Labcorp
Classification: Likely benign for Autosomal recessive polycystic kidney disease. Last evaluated: 2023-11-17. Review status: criteria provided, single submitter. Criteria: Invitae Variant Classification Sherloc (09022015). Collection method: clinical testing. Allele origin: germline.

Illumina Laboratory Services, Illumina
Classification: Uncertain significance for Polycystic kidney disease 4. Last evaluated: 2018-01-13. Review status: criteria provided, single submitter. Criteria: ICSL Variant Classification Criteria 13 December 2019. Collection method: clinical testing. Allele origin: germline.

NM_138694.4(PKHD1):c.8503G>A (p.Gly2835Arg)

Gene: PKHD1 (PKHD1 ciliary IPT domain containing fibrocystin/polyductin; minus strand). Cytogenetic location: 6p12.3.
Variant type: single nucleotide variant.
Coding change: c.8503G>A on transcript NM_138694.4 (MANE Select); coding-DNA position 8503, G replaced by A.
Protein change: p.Gly2835Arg; replaces glycine 2835 with arginine.
Molecular consequence: missense variant.
Genome position (GRCh38, 1-based): chr6:51,775,859, C>T on the plus strand (G>A on the coding strand, the complement: PKHD1 is on the minus strand). VCF-style: chr6-51775859-C-T. GRCh37 (hg19) VCF-style: chr6-51640657-C-T.
Other names: c.8503G>A, p.Gly2835Arg (NM_170724.3); short protein forms G2835R.
Identifiers: ClinVar variation 910889 (VCV000910889.14), dbSNP rs771108371, ClinGen allele CA3851610.